The following is an entry in ClinVar:

ClinVar aggregate classification (germline): Uncertain significance (0 of 4 stars; one submission).

Conditions:
FHL1-related disorder. Also called: FHL1-related disorders; FHL1-related condition.

Submission:

PreventionGenetics, part of Exact Sciences
Classification: Uncertain significance for FHL1-related condition. Last evaluated: 2024-08-29. Review status: no assertion criteria provided. Collection method: clinical testing. Allele origin: germline.
Comment: The FHL1 c.319G>A variant is predicted to result in the amino acid substitution p.Ala107Thr. To our knowledge, this variant has not been reported in the literature. This variant is reported in 0.0013% of alleles in individuals of European (Non-Finnish) descent in gnomAD. At this time, the clinical significance of this variant is uncertain due to the absence of conclusive functional and genetic evidence.

NM_001159699.2(FHL1):c.367G>A (p.Ala123Thr)

Gene: FHL1 (four and a half LIM domains 1; plus strand). Cytogenetic location: Xq26.3.
Variant type: single nucleotide variant.
Coding change: c.367G>A on transcript NM_001159699.2 (MANE Select); coding-DNA position 367, G replaced by A.
Protein change: p.Ala123Thr; replaces alanine 123 with threonine.
Molecular consequence: missense variant. On other transcripts: non-coding transcript variant (1).
Genome position (GRCh38, 1-based): chrX:136,207,178, G>A. VCF-style: chrX-136207178-G-A. GRCh37 (hg19) VCF-style: chrX-135289337-G-A.
Other names: c.319G>A, p.Ala107Thr (NM_001159700.2, NM_001159702.3, NM_001159703.2 and 9 more transcripts); c.406G>A, p.Ala136Thr (NM_001159701.2); c.367G>A, p.Ala123Thr (NM_001330659.2); short protein forms A107T, A123T, A136T.
Identifiers: ClinVar variation 3354185 (VCV003354185.1).